The following is an entry in ClinVar:

NM_000038.6(APC):c.7929A>T (p.Leu2643=)

Gene: APC (APC regulator of Wnt signaling pathway; plus strand). Cytogenetic location: 5q22.2.
Variant type: single nucleotide variant.
Coding change: c.7929A>T on transcript NM_000038.6 (MANE Select); coding-DNA position 7929, A replaced by T.
Protein change: p.Leu2643=; no amino-acid change (leucine 2643 retained).
Molecular consequence: synonymous variant.
Genome position (GRCh38, 1-based): chr5:112,843,523, A>T. VCF-style: chr5-112843523-A-T. GRCh37 (hg19) VCF-style: chr5-112179220-A-T.
Other names: c.7929A>T, p.Leu2643= (NM_001127510.3, NM_001354895.2); c.7875A>T, p.Leu2625= (NM_001127511.3); c.7983A>T, p.Leu2661= (NM_001354896.2); c.7959A>T, p.Leu2653= (NM_001354897.2); c.7854A>T, p.Leu2618= (NM_001354898.2); c.7845A>T, p.Leu2615= (NM_001354899.2); c.7806A>T, p.Leu2602= (NM_001354900.2); c.7752A>T, p.Leu2584= (NM_001354901.2); and 5 more.
Identifiers: ClinVar variation 1588492 (VCV001588492.9), dbSNP rs138796072, ClinGen allele CA446210965.
Genomic context (GRCh38, chr5:112,843,523, plus strand): 5'-AAATAGTACTTCTCAGACCGTTTCCTCAGGTGCTACAAATGGTGCTGAATCAAAGACTCT[A>T]ATTTATCAAATGGCACCTGCTGTTTCTAAAACAGAGGATGTTTGGGTGAGAATTGAGGAC-3'
Protein context (NP_000029.2, residues 2633-2653): GATNGAESKT[Leu2643=]IYQMAPAVSK

ClinVar aggregate classification (germline): Benign/Likely benign. Review status: criteria provided, multiple submitters, no conflicts (2 of 4 stars). 2 submissions from 2 submitters: Benign (1); Likely benign (1). Last evaluated 2024-04-11.

Conditions:
Familial adenomatous polyposis 1 (FAP1). Also called: POLYPOSIS, ADENOMATOUS INTESTINAL; FAMILIAL ADENOMATOUS POLYPOSIS 1, ATTENUATED. Identifiers: MedGen C2713442, MONDO:0021056, OMIM 175100. Disease mechanism: loss of function.

Submissions (2):

Myriad Genetics, Inc.
Classification: Benign for Familial adenomatous polyposis 1. Last evaluated: 2024-04-11. Review status: criteria provided, single submitter. Criteria: Myriad Autosomal Dominant, Autosomal Recessive and X-Linked Classification Criteria (2023). Collection method: clinical testing. Allele origin: unknown.
Comment: This variant is considered benign. This variant is a silent/synonymous amino acid change and it is not expected to impact splicing.

Labcorp Genetics (formerly Invitae), Labcorp
Classification: Likely benign for Familial adenomatous polyposis 1. Last evaluated: 2022-07-26. Review status: criteria provided, single submitter. Criteria: Invitae Variant Classification Sherloc (09022015). Collection method: clinical testing. Allele origin: germline.